The following is an entry in ClinVar:

ClinVar aggregate classification (germline): Likely benign (3 of 4 stars; one submission).

Conditions:
Breast-ovarian cancer, familial, susceptibility to, 1 (BROVCA1). Also called: BRCA1 Hereditary Breast and Ovarian Cancer; OVARIAN CANCER, SUSCEPTIBILITY TO. Identifiers: Orphanet 145, MedGen C2676676, MONDO:0011450, OMIM 604370. Disease mechanism: loss of function.

Submission:

Evidence-based Network for the Interpretation of Germline Mutant Alleles (ENIGMA)
Classification: Likely benign for Breast-ovarian cancer, familial, susceptibility to, 1. Last evaluated: 2017-06-29. Review status: reviewed by expert panel. Criteria: ENIGMA BRCA1/2 Classification Criteria (2017-06-29). Collection method: curation. Allele origin: germline.
Comment: Synonymous substitution variant, with low bioinformatic likelihood to result in a splicing aberration (Splicing prior probability 0.02).

NM_007294.4(BRCA1):c.3210A>T (p.Ala1070=)

Gene: BRCA1 (BRCA1 DNA repair associated; minus strand). Cytogenetic location: 17q21.31.
Variant type: single nucleotide variant.
Coding change: c.3210A>T on transcript NM_007294.4 (MANE Select); coding-DNA position 3210, A replaced by T.
Protein change: p.Ala1070=; no amino-acid change (alanine 1070 retained).
Molecular consequence: synonymous variant. On other transcripts: intron variant (137).
Genome position (GRCh38, 1-based): chr17:43,092,321, T>A on the plus strand (A>T on the coding strand, the complement: BRCA1 is on the minus strand). VCF-style: chr17-43092321-T-A. GRCh37 (hg19) VCF-style: chr17-41244338-T-A.
Other names: c.3066A>T, p.Ala1022= (NM_001407742.1, NM_001407743.1, NM_001407744.1 and 20 more transcripts); c.3069A>T, p.Ala1023= (NM_001407750.1, NM_001407751.1, NM_001407752.1 and 29 more transcripts); c.2997A>T, p.Ala999= (NM_001407853.1, NM_001407894.1, NM_001407895.1 and 9 more transcripts); c.3210A>T, p.Ala1070= (NM_001407854.1, NM_001407858.1, NM_001407859.1 and 30 more transcripts); c.3207A>T, p.Ala1069= (NM_001407860.1, NM_001407861.1, NM_001407587.1 and 22 more transcripts); c.3009A>T, p.Ala1003= (NM_001407862.1); c.3087A>T, p.Ala1029= (NM_001407863.1, NM_001407919.1, NM_001407937.1 and 19 more transcripts); c.3006A>T, p.Ala1002= (NM_001407874.1, NM_001407875.1); and 41 more.
Identifiers: ClinVar variation 427253 (VCV000427253.4), dbSNP rs1131692068, ClinGen allele CA500232183.